The following is an entry in ClinVar:

NM_052813.5(CARD9):c.511G>A (p.Gly171Ser)

Gene: CARD9 (caspase recruitment domain family member 9; minus strand). Cytogenetic location: 9q34.3.
Variant type: single nucleotide variant.
Coding change: c.511G>A on transcript NM_052813.5 (MANE Select); coding-DNA position 511, G replaced by A.
Protein change: p.Gly171Ser; replaces glycine 171 with serine.
Molecular consequence: missense variant.
Genome position (GRCh38, 1-based): chr9:136,370,957, C>T on the plus strand (G>A on the coding strand, the complement: CARD9 is on the minus strand). VCF-style: chr9-136370957-C-T. GRCh37 (hg19) VCF-style: chr9-139265409-C-T.
Other names: c.511G>A, p.Gly171Ser (NM_052814.4); short protein forms G171S.
Identifiers: ClinVar variation 365850 (VCV000365850.12), dbSNP rs140508365, ClinGen allele CA5333114.
Genomic context (GRCh38, chr9:136,370,957, plus strand): 5'-GCGCCAGGCGCATGGCCAGGTCGTAGTTCTCCTCCTTGCAGCGCTTGAGCTCGCGGCTGC[C>T]GGCCTCGCACTCCTCCTTGAGCCTCTGCACACGCTCCTGGTGCTTGCGCAGCAGGCTGTC-3'
Protein context (NP_434700.2, residues 161-181): VQRLKEECEA[Gly171Ser]SRELKRCKEE

ClinVar aggregate classification (germline): Uncertain significance. Review status: criteria provided, multiple submitters, no conflicts (2 of 4 stars). 2 submissions from 2 submitters: Uncertain significance (2). Last evaluated 2022-10-13.

Conditions:
Predisposition to invasive fungal disease due to CARD9 deficiency (IMD103). Also called: CARD9 IMMUNODEFICIENCY; Candidiasis, familial, 2, autosomal recessive; IMMUNODEFICIENCY 103, SUSCEPTIBILITY TO FUNGAL INFECTIONS. Identifiers: Orphanet 457088, MedGen C1859353, MONDO:0008905, OMIM 212050.

Allele frequency attached by ClinVar (database versions not stated): gnomAD exomes 0.00009 and 0.00021; ExAC 0.00026; gnomAD 0.00051 and 0.00053; 1000 Genomes Project 0.00060; 1000 Genomes Project 30x 0.00062; ESP Exome Variant Server 0.00062; TOPMed 0.00073.

Submissions (2):

Labcorp Genetics (formerly Invitae), Labcorp
Classification: Uncertain significance for Predisposition to invasive fungal disease due to CARD9 deficiency. Last evaluated: 2022-10-13. Review status: criteria provided, single submitter. Criteria: Invitae Variant Classification Sherloc (09022015). Collection method: clinical testing. Allele origin: germline.
Comment: This sequence change replaces glycine, which is neutral and non-polar, with serine, which is neutral and polar, at codon 171 of the CARD9 protein (p.Gly171Ser). This variant is present in population databases (rs140508365, gnomAD 0.2%). This variant has not been reported in the literature in individuals affected with CARD9-related conditions. ClinVar contains an entry for this variant (Variation ID: 365850). Advanced modeling of protein sequence and biophysical properties (such as structural, functional, and spatial information, amino acid conservation, physicochemical variation, residue mobility, and thermodynamic stability) performed at Invitae indicates that this missense variant is not expected to disrupt CARD9 protein function. In summary, the available evidence is currently insufficient to determine the role of this variant in disease. Therefore, it has been classified as a Variant of Uncertain Significance.

Illumina Laboratory Services, Illumina
Classification: Uncertain significance for Predisposition to invasive fungal disease due to CARD9 deficiency. Last evaluated: 2018-01-12. Review status: criteria provided, single submitter. Criteria: ICSL Variant Classification Criteria 13 December 2019. Collection method: clinical testing. Allele origin: germline.